The following is an entry in ClinVar:

NM_000350.3(ABCA4):c.5150G>A (p.Gly1717Glu)

Gene: ABCA4 (ATP binding cassette subfamily A member 4; minus strand). Cytogenetic location: 1p22.1.
Variant type: single nucleotide variant.
Coding change: c.5150G>A on transcript NM_000350.3 (MANE Select); coding-DNA position 5150, G replaced by A.
Protein change: p.Gly1717Glu; replaces glycine 1717 with glutamic acid.
Molecular consequence: missense variant.
Genome position (GRCh38, 1-based): chr1:94,019,628, C>T on the plus strand (G>A on the coding strand, the complement: ABCA4 is on the minus strand). VCF-style: chr1-94019628-C-T. GRCh37 (hg19) VCF-style: chr1-94485184-C-T.
Other names: c.4928G>A, p.Gly1643Glu (NM_001425324.1); short protein forms G1717E, G1643E.
Identifiers: ClinVar variation 1009357 (VCV001009357.8), dbSNP rs1448246859, ClinGen allele CA341282604.

ClinVar aggregate classification (germline): Uncertain significance (1 of 4 stars; one submission).

Submission:

Labcorp Genetics (formerly Invitae), Labcorp
Classification: Uncertain significance. Last evaluated: 2022-06-09. Review status: criteria provided, single submitter. Criteria: Invitae Variant Classification Sherloc (09022015). Collection method: clinical testing. Allele origin: germline.
Comment: In summary, the available evidence is currently insufficient to determine the role of this variant in disease. Therefore, it has been classified as a Variant of Uncertain Significance. Advanced modeling of protein sequence and biophysical properties (such as structural, functional, and spatial information, amino acid conservation, physicochemical variation, residue mobility, and thermodynamic stability) performed at Invitae indicates that this missense variant is expected to disrupt ABCA4 protein function. ClinVar contains an entry for this variant (Variation ID: 1009357). This variant has not been reported in the literature in individuals affected with ABCA4-related conditions. This variant is not present in population databases (gnomAD no frequency). This sequence change replaces glycine, which is neutral and non-polar, with glutamic acid, which is acidic and polar, at codon 1717 of the ABCA4 protein (p.Gly1717Glu).